The following is an entry in ClinVar:

ClinVar aggregate classification (germline): Pathogenic. Review status: criteria provided, multiple submitters, no conflicts (2 of 4 stars). 2 submissions from 2 submitters: Pathogenic (2). Last evaluated 2026-03-26.

Conditions:
Bethlem myopathy 1A. Also called: MYOPATHY, BENIGN CONGENITAL, WITH CONTRACTURES; Bethlem Muscular Dystrophy; Bethlem myopathy 1. Identifiers: Orphanet 610, MedGen CN029274, MONDO:0024530, OMIM 158810.

Submissions (2):

GeneDx
Classification: Pathogenic. Last evaluated: 2026-03-26. Review status: criteria provided, single submitter. Criteria: GeneDx Variant Classification Process June 2021. Collection method: clinical testing. Allele origin: germline.
Comment: Replaces the glycine in the canonical Gly-X-Y repeat of the triple helical domain and is expected to disrupt normal protein folding and function, which is an established mechanism of disease (HGMD); Not observed at significant frequency in large population cohorts (gnomAD); In silico analysis supports that this missense variant has a deleterious effect on protein structure/function; This variant is associated with the following publications: (PMID: 34440373)

Labcorp Genetics (formerly Invitae), Labcorp
Classification: Pathogenic for Bethlem myopathy 1A. Last evaluated: 2022-03-08. Review status: criteria provided, single submitter. Criteria: Invitae Variant Classification Sherloc (09022015). Collection method: clinical testing. Allele origin: germline.
Comment: This sequence change replaces glycine, which is neutral and non-polar, with valine, which is neutral and non-polar, at codon 2077 of the COL6A3 protein (p.Gly2077Val). For these reasons, this variant has been classified as Pathogenic. This variant disrupts the triple helix domain of COL6A3. Glycine residues within the Gly-Xaa-Yaa repeats of the triple helix domain are required for the structure and stability of fibrillar collagens (PMID: 7695699, 8218237, 19344236). In COL6A3, missense variants at these glycine residues are significantly enriched in individuals with autosomal dominant disease (PMID: 15689448, 24038877) compared to the general population (ExAC). Advanced modeling of protein sequence and biophysical properties (such as structural, functional, and spatial information, amino acid conservation, physicochemical variation, residue mobility, and thermodynamic stability) performed at Invitae indicates that this missense variant is expected to disrupt COL6A3 protein function. ClinVar contains an entry for this variant (Variation ID: 476547). This missense change has been observed in individual(s) with clinical features of autosomal dominant COL6A3-related conditions (Invitae). In at least one individual the variant was observed to be de novo. This variant is not present in population databases (gnomAD no frequency).

Literature cited by the submitters: PubMed 7695699 (cited by Labcorp Genetics (formerly Invitae), Labcorp); PubMed 8218237 (cited by Labcorp Genetics (formerly Invitae), Labcorp); PubMed 19344236 (cited by Labcorp Genetics (formerly Invitae), Labcorp); PubMed 15689448 (cited by Labcorp Genetics (formerly Invitae), Labcorp); PubMed 24038877 (cited by Labcorp Genetics (formerly Invitae), Labcorp).

NM_004369.4(COL6A3):c.6230G>T (p.Gly2077Val)

Gene: COL6A3 (collagen type VI alpha 3 chain; minus strand). Cytogenetic location: 2q37.3.
Variant type: single nucleotide variant.
Coding change: c.6230G>T on transcript NM_004369.4 (MANE Select); coding-DNA position 6230, G replaced by T.
Protein change: p.Gly2077Val; replaces glycine 2077 with valine.
Molecular consequence: missense variant.
Genome position (GRCh38, 1-based): chr2:237,360,140, C>A on the plus strand (G>T on the coding strand, the complement: COL6A3 is on the minus strand). VCF-style: chr2-237360140-C-A. GRCh37 (hg19) VCF-style: chr2-238268783-C-A.
Other names: c.4409G>T, p.Gly1470Val (NM_057166.5); c.5612G>T, p.Gly1871Val (NM_057167.4); short protein forms G2077V, G1470V, G1871V.
Identifiers: ClinVar variation 476547 (VCV000476547.11), dbSNP rs1553553646, ClinGen allele CA351216678.
Genomic context (GRCh38, chr2:237,360,140, plus strand): 5'-CGCCTCACCTTTACTCCTCTCTGGCCCGGGCAGCCCTGGAAACCTTGAGTGCCGTTCACA[C>A]CAGGCGGACCACGCTCACCCTGTTGTGAGAGACAAAGGCATTTTGCAAGCTGGAGCCCTT-3'
Protein context (NP_004360.2, residues 2067-2087): EGGPGERGPP[Gly2077Val]VNGTQGFQGC